The following is an entry in ClinVar:

NM_001035.3(RYR2):c.1319C>T (p.Ala440Val)

Gene: RYR2 (ryanodine receptor 2; plus strand). Cytogenetic location: 1q43.
Variant type: single nucleotide variant.
Coding change: c.1319C>T on transcript NM_001035.3 (MANE Select); coding-DNA position 1319, C replaced by T.
Protein change: p.Ala440Val; replaces alanine 440 with valine.
Molecular consequence: missense variant.
Genome position (GRCh38, 1-based): chr1:237,454,417, C>T. VCF-style: chr1-237454417-C-T. GRCh37 (hg19) VCF-style: chr1-237617717-C-T.
Other names: p.A440V:GCG>GTG; c.1319C>T, p.Ala440Val (LRG_402t1); short protein forms A440V.
Identifiers: ClinVar variation 201160 (VCV000201160.21), dbSNP rs758904216, ClinGen allele CA007828.

ClinVar aggregate classification (germline): Conflicting classifications of pathogenicity. Review status: criteria provided, conflicting classifications (1 of 4 stars). 6 submissions from 6 submitters: Uncertain significance (3); Likely benign (3). Last evaluated 2025-09-01.

Conditions:
Cardiovascular phenotype. Identifiers: MedGen CN230736.
Catecholaminergic polymorphic ventricular tachycardia (CVPT). Also called: Catecholamine-induced polymorphic ventricular tachycardia. Identifiers: Orphanet 3286, MedGen C5574922, MONDO:0017990.
Cardiomyopathy (CMYO). Also called: Cardiomyopathies. Identifiers: Orphanet 167848, MedGen C0878544, MONDO:0004994, HP:0001638. Inheritance: Various modes of inheritance.
Catecholaminergic polymorphic ventricular tachycardia 1. Also called: RYR2-Related Catecholaminergic Polymorphic Ventricular Tachycardia; VENTRICULAR TACHYCARDIA, CATECHOLAMINERGIC POLYMORPHIC, 1, WITH OR WITHOUT ATRIAL DYSFUNCTION AND/OR DILATED CARDIOMYOPATHY; VENTRICULAR TACHYCARDIA, STRESS-INDUCED POLYMORPHIC 1. Identifiers: Orphanet 3286, MedGen C1631597, MONDO:0011484, OMIM 604772.

Allele frequency attached by ClinVar (database versions not stated): gnomAD 0.00002; TOPMed 0.00002.
gnomAD v4.1: 48 of 1,610,816 alleles (0.003%); highest among the groups gnomAD compares: Non-Finnish European, 0.0035%; no homozygotes.

Submissions (6):

Labcorp Genetics (formerly Invitae), Labcorp
Classification: Uncertain significance for Catecholaminergic polymorphic ventricular tachycardia 1. Last evaluated: 2025-09-01. Review status: criteria provided, single submitter. Criteria: Invitae Variant Classification Sherloc (09022015). Collection method: clinical testing. Allele origin: germline.
Comment: This sequence change replaces alanine, which is neutral and non-polar, with valine, which is neutral and non-polar, at codon 440 of the RYR2 protein (p.Ala440Val). This variant is present in population databases (rs758904216, gnomAD 0.004%). This variant has not been reported in the literature in individuals affected with RYR2-related conditions. ClinVar contains an entry for this variant (Variation ID: 201160). Invitae Evidence Modeling of protein sequence and biophysical properties (such as structural, functional, and spatial information, amino acid conservation, physicochemical variation, residue mobility, and thermodynamic stability) indicates that this missense variant is not expected to disrupt RYR2 protein function with a negative predictive value of 95%. In summary, the available evidence is currently insufficient to determine the role of this variant in disease. Therefore, it has been classified as a Variant of Uncertain Significance.

Color Diagnostics, LLC DBA Color Health
Classification: Likely benign for Cardiomyopathy. Last evaluated: 2024-09-04. Review status: criteria provided, single submitter. Criteria: ACMG Guidelines, 2015. Collection method: clinical testing. Allele origin: germline.

All of Us Research Program, National Institutes of Health
Classification: Likely benign for Catecholaminergic polymorphic ventricular tachycardia. Last evaluated: 2023-12-13. Review status: criteria provided, single submitter. Criteria: ACMG Guidelines, 2015. Collection method: clinical testing. Allele origin: germline. Inheritance: Autosomal dominant inheritance. Observed: 13 variant alleles, 13 heterozygotes.
Comment: This study involves interpretation of variants in research participants for the purpose of population health screening. Participant phenotype was not available at the time of variant classification. Additional details can be found in publication PMID: 35346344, PMCID: PMC8962531

Revvity Omics, Revvity
Classification: Uncertain significance. Last evaluated: 2022-06-05. Review status: criteria provided, single submitter. Criteria: ACMG Guidelines, 2015. Collection method: clinical testing. Allele origin: germline.

Ambry Genetics
Classification: Likely benign for Cardiovascular phenotype. Last evaluated: 2022-05-02. Review status: criteria provided, single submitter. Criteria: Ambry Variant Classification Scheme 2023. Collection method: clinical testing. Allele origin: germline.

GeneDx
Classification: Uncertain significance. Last evaluated: 2015-11-16. Review status: criteria provided, single submitter. Criteria: GeneDx Variant Classification (06012015). Collection method: clinical testing. Allele origin: germline. Affected: yes.
Comment: The A440V variant has not been published as a pathogenic variant, nor has it been reported as a benign variant to our knowledge. The A440V variant was not observed in approximately 6,000 individuals of European and African American ancestry in the NHLBI Exome Sequencing Project, indicating it is not a common benign variant in these populations. However, the A440V variant is a conservative amino acid substitution, which is not likely to impact secondary protein structure as these residues share similar properties. This substitution occurs at a position where Valine is tolerated in many species. Consequently, in silico analysis predicts this variant likely does not alter the protein structure/function. Furthermore, only one missense variant in a nearby residue (L433P) has been reported in the Human Gene Mutation Database in association with ARVC (Stenson et al., 2014). Nevertheless, the A440V variant is located in one of the three hot-spot regions of the RYR2 gene, where the majority of pathogenic missense variants occur (Medeiros-Domingo et al., 2009). Therefore, based on the currently available information, it is unclear whether this variant is a pathogenic variant or a rare benign variant.